The following is an entry in ClinVar:

ClinVar aggregate classification (germline): Likely pathogenic. Review status: criteria provided, multiple submitters, no conflicts (2 of 4 stars). 2 submissions from 2 submitters: Likely pathogenic (2). Last evaluated 2020-02-14.

Conditions:
Developmental and epileptic encephalopathy, 2 (DEE2). Also called: INFANTILE SPASM SYNDROME, X-LINKED 2; CDKL5 deficiency disorder. Identifiers: Orphanet 1934, Orphanet 3451, Orphanet 505652, MedGen C4750718, MONDO:0010396, OMIM 300672.

Submissions (2):

GeneDx
Classification: Likely pathogenic. Last evaluated: 2020-02-14. Review status: criteria provided, single submitter. Criteria: GeneDx Variant Classification Process June 2021. Collection method: clinical testing. Allele origin: germline. Affected: yes.
Comment: Not observed in large population cohorts (Lek et al., 2016); In silico analysis, which includes protein predictors and evolutionary conservation, supports a deleterious effect; Has not been previously published as pathogenic or benign to our knowledge

Laboratory of Inherited Metabolic Diseases, Research centre for medical genetics
Classification: Likely pathogenic for Developmental and epileptic encephalopathy, 2. Last evaluated: 2020-02-14. Review status: criteria provided, single submitter. Criteria: ACMG Guidelines, 2015. Collection method: clinical testing. Allele origin: de novo. Inheritance: X-linked inheritance. Affected: yes.

NM_001323289.2(CDKL5):c.65G>C (p.Gly22Ala)

Gene: CDKL5 (cyclin dependent kinase like 5; plus strand). Cytogenetic location: Xp22.13.
Variant type: single nucleotide variant.
Coding change: c.65G>C on transcript NM_001323289.2 (MANE Select); coding-DNA position 65, G replaced by C.
Protein change: p.Gly22Ala; replaces glycine 22 with alanine.
Molecular consequence: missense variant.
Genome position (GRCh38, 1-based): chrX:18,510,820, G>C. VCF-style: chrX-18510820-G-C. GRCh37 (hg19) VCF-style: chrX-18528940-G-C.
Other names: c.65G>C, p.Gly22Ala (NM_001037343.2, NM_003159.3); short protein forms G22A.
Identifiers: ClinVar variation 870172 (VCV000870172.4), dbSNP rs1602232972, ClinGen allele CA412489769.
Genomic context (GRCh38, chrX:18,510,820, plus strand): 5'-TATAGCAGAGCTTTGTAGTTTGTATGCGTGCCCTTGATTGTTTACTTCTTTTTATTATAG[G>C]AGCCTATGGAGTTGTACTTAAATGCAGACACAAGGCAAGTACATTATTTTTAAAAAGAAA-3'
Protein context (NP_001310218.1, residues 12-32): KFEILGVVGE[Gly22Ala]AYGVVLKCRH